The following is an entry in ClinVar:

ClinVar aggregate classification (germline): Uncertain significance (1 of 4 stars; one submission).

Conditions:
Hereditary sensory and autonomic neuropathy type 6. Also called: HSAN VI; Neuropathy, hereditary sensory and autonomic, type VI. Identifiers: Orphanet 314381, MedGen C3539003, MONDO:0013839, OMIM 614653.
Epidermolysis bullosa simplex 3, localized or generalized intermediate, with BP230 deficiency (EBS3). Also called: Epidermolysis bullosa simplex, autosomal recessive 2; Epidermolysis bullosa simplex due to BP230 deficiency. Identifiers: Orphanet 412181, MedGen C3809470, MONDO:0014180, OMIM 615425.

Allele frequency attached by ClinVar (database versions not stated): gnomAD 0.00001 and 0.00003; ExAC 0.00002; TOPMed 0.00002; gnomAD exomes 0.00005; 1000 Genomes Project 30x 0.00031; 1000 Genomes Project 0.00040.
gnomAD v4.1: 22 of 1,614,186 alleles (0.0014%); highest among the groups gnomAD compares: South Asian, 0.013%; no homozygotes.

Submission:

Labcorp Genetics (formerly Invitae), Labcorp
Classification: Uncertain significance for Epidermolysis bullosa simplex 3, localized or generalized intermediate, with BP230 deficiency; Hereditary sensory and autonomic neuropathy type 6. Last evaluated: 2022-05-21. Review status: criteria provided, single submitter. Criteria: Invitae Variant Classification Sherloc (09022015). Collection method: clinical testing. Allele origin: germline.
Comment: In summary, the available evidence is currently insufficient to determine the role of this variant in disease. Therefore, it has been classified as a Variant of Uncertain Significance. Algorithms developed to predict the effect of missense changes on protein structure and function output the following: SIFT: "Deleterious"; PolyPhen-2: "Probably Damaging"; Align-GVGD: "Class C55". The lysine amino acid residue is found in multiple mammalian species, which suggests that this missense change does not adversely affect protein function. ClinVar contains an entry for this variant (Variation ID: 848873). This variant has not been reported in the literature in individuals affected with DST-related conditions. This variant is present in population databases (rs561366949, gnomAD 0.03%). This sequence change replaces glutamic acid, which is acidic and polar, with lysine, which is basic and polar, at codon 153 of the DST protein (p.Glu153Lys).

NM_001374736.1(DST):c.2068G>A (p.Glu690Lys)

Gene: DST (dystonin; minus strand). Cytogenetic location: 6p12.1.
Variant type: single nucleotide variant.
Coding change: c.2068G>A on transcript NM_001374736.1 (MANE Select); coding-DNA position 2068, G replaced by A.
Protein change: p.Glu690Lys; replaces glutamic acid 690 with lysine.
Molecular consequence: missense variant.
Genome position (GRCh38, 1-based): chr6:56,640,565, C>T on the plus strand (G>A on the coding strand, the complement: DST is on the minus strand). VCF-style: chr6-56640565-C-T. GRCh37 (hg19) VCF-style: chr6-56505363-C-T.
Other names: c.1969G>A, p.Glu657Lys (NM_001144769.5); c.1555G>A, p.Glu519Lys (NM_001144770.2); c.2068G>A, p.Glu690Lys (NM_001374722.1); c.1435G>A, p.Glu479Lys (NM_001374729.1, NM_001374730.1, NM_001386100.1 and 1 more transcripts); c.2095G>A, p.Glu699Lys (NM_001374734.1); c.457G>A, p.Glu153Lys (NM_001723.7, NM_015548.5); short protein forms E153K, E690K, E479K, E519K, E657K, E699K.
Identifiers: ClinVar variation 848873 (VCV000848873.10), dbSNP rs561366949, ClinGen allele CA3871489.